The following is an entry in ClinVar:

NM_000088.4(COL1A1):c.1261del (p.Gln421fs)

Gene: COL1A1 (collagen type I alpha 1 chain; minus strand). Cytogenetic location: 17q21.33.
Variant type: Deletion.
Coding change: c.1261del on transcript NM_000088.4 (MANE Select); coding-DNA position 1261, one base deleted (C; older notation c.1261delC).
Protein change: p.Gln421fs; shifts the reading frame from glutamine 421.
Molecular consequence: frameshift variant.
Genome position (GRCh38, 1-based): chr17:50,195,270, G deleted on the plus strand (C on the coding strand, the reverse complement: COL1A1 is on the minus strand); the first of 4 consecutive G bases (chr17:50,195,270-50,195,273); deleting any one gives the same sequence. VCF-style (leftmost placement, unchanged base first): chr17-50195269-TG-T. GRCh37 (hg19) VCF-style: chr17-48272630-TG-T.
Other names: c.1261delC (NM_000088.3); c.1261del, p.Gln421fs (LRG_1t1); short protein forms Q421fs.
Identifiers: ClinVar variation 425598 (VCV000425598.6), dbSNP rs1114167385, ClinGen allele CA645294113.

ClinVar aggregate classification (germline): Pathogenic. Review status: criteria provided, single submitter (1 of 4 stars). 2 submissions from 2 submitters: Pathogenic (1). 1 of the submissions does not count toward it. Last evaluated 2022-04-21.

Conditions:
Osteogenesis imperfecta type I (OI1). Also called: Lobstein's Disease; Lobstein disease; Osteogenesis imperfecta type 1; OI, TYPE I; OSTEOGENESIS IMPERFECTA TARDA; OSTEOGENESIS IMPERFECTA WITH BLUE SCLERAE. Identifiers: Orphanet 216796, Orphanet 666, MedGen C0023931, MONDO:0008146, OMIM 166200. Disease mechanism: loss of function.

Submissions (2):

Labcorp Genetics (formerly Invitae), Labcorp
Classification: Pathogenic for Osteogenesis imperfecta type I. Last evaluated: 2022-04-21. Review status: criteria provided, single submitter. Criteria: Invitae Variant Classification Sherloc (09022015). Collection method: clinical testing. Allele origin: germline.
Comment: This sequence change creates a premature translational stop signal (p.Gln421Argfs*120) in the COL1A1 gene. It is expected to result in an absent or disrupted protein product. Loss-of-function variants in COL1A1 are known to be pathogenic (PMID: 7942841, 9295084, 9443882). For these reasons, this variant has been classified as Pathogenic. ClinVar contains an entry for this variant (Variation ID: 425598). This variant has not been reported in the literature in individuals affected with COL1A1-related conditions. This variant is not present in population databases (gnomAD no frequency).

Department of Medical Sciences, Uppsala University
Classification: Pathogenic for OI type I. Review status: no assertion criteria provided. Collection method: clinical testing. Allele origin: unknown. Affected: yes. Observed: 1 variant allele. Not counted in ClinVar's aggregate classification.

Literature cited by the submitters: PubMed 7942841 (cited by Labcorp Genetics (formerly Invitae), Labcorp); PubMed 9295084 (cited by Labcorp Genetics (formerly Invitae), Labcorp); PubMed 9443882 (cited by Labcorp Genetics (formerly Invitae), Labcorp); PubMed 25944380 (cited by Department of Medical Sciences, Uppsala University).